The following is an entry in ClinVar:

ClinVar aggregate classification (germline): Likely pathogenic (1 of 4 stars; one submission).

Conditions:
Dilated cardiomyopathy 1G (CMD1G). Identifiers: Orphanet 154, MedGen C1858763, MONDO:0011400, OMIM 604145.
Autosomal recessive limb-girdle muscular dystrophy type 2J (LGMDR10). Also called: Limb-girdle muscular dystrophy, type 2J; MUSCULAR DYSTROPHY, LIMB-GIRDLE, AUTOSOMAL RECESSIVE 10. Identifiers: Orphanet 140922, MedGen C1837342, MONDO:0012127, OMIM 608807.

Submission:

Labcorp Genetics (formerly Invitae), Labcorp
Classification: Likely pathogenic for Dilated cardiomyopathy 1G; Autosomal recessive limb-girdle muscular dystrophy type 2J. Last evaluated: 2025-03-17. Review status: criteria provided, single submitter. Criteria: Invitae Variant Classification Sherloc (09022015). Collection method: clinical testing. Allele origin: germline.
Comment: This sequence change creates a premature translational stop signal (p.Trp29581*) in the TTN gene. While this is not anticipated to result in nonsense mediated decay, it is expected to create a truncated TTN protein. This variant is not present in population databases (gnomAD no frequency). This variant has not been reported in the literature in individuals affected with TTN-related conditions. This variant is located in the A band of TTN (PMID: 25589632). Truncating variants in this region are significantly overrepresented in patients affected with dilated cardiomyopathy (PMID: 25589632). Truncating variants in this region have also been reported in individuals affected with autosomal recessive centronuclear myopathy (PMID: 23975875). In summary, the currently available evidence indicates that the variant is pathogenic, but additional data are needed to prove that conclusively. Therefore, this variant has been classified as Likely Pathogenic.

Literature cited by the submitters: PubMed 25589632; PubMed 23975875.

NM_001267550.2(TTN):c.88742G>A (p.Trp29581Ter)

Genes: TTN (titin; minus strand), TTN-AS1 (TTN antisense RNA 1; plus strand). Cytogenetic location: 2q31.2.
Variant type: single nucleotide variant.
Coding change: c.88742G>A on transcript NM_001267550.2 (MANE Select); coding-DNA position 88742, G replaced by A.
Protein change: p.Trp29581Ter; replaces tryptophan 29581 with a stop codon.
Molecular consequence: nonsense.
Genome position (GRCh38, 1-based): chr2:178,554,605, C>T on the plus strand (G>A on the coding strand, the complement: TTN is on the minus strand). VCF-style: chr2-178554605-C-T. GRCh37 (hg19) VCF-style: chr2-179419332-C-T.
Other names: c.83819G>A, p.Trp27940Ter (NM_001256850.1); c.61547G>A, p.Trp20516Ter (NM_003319.4); c.81038G>A, p.Trp27013Ter (NM_133378.4); c.61922G>A, p.Trp20641Ter (NM_133432.3); c.62123G>A, p.Trp20708Ter (NM_133437.4); short protein forms W20516*, W20641*, W20708*, W27013*, W27940*, W29581*.
Identifiers: ClinVar variation 3755296 (VCV003755296.2).
Genomic context (GRCh38, chr2:178,554,605, plus strand): 5'-CCTTTGATAATTTTGGTGGTTGTAATGATGCACTCTTCCAAATGTTCAGACACCATAGAC[C>T]ACACAACGCGGCTTGTCTCACGCTTTTCCACAATGTAGTGAGTGATTTTTGCACCACCAT-3'